The following is an entry in ClinVar:

ClinVar aggregate classification (germline): Uncertain significance. Review status: criteria provided, multiple submitters, no conflicts (2 of 4 stars). 3 submissions from 3 submitters: Uncertain significance (3). Last evaluated 2026-01-13.

Conditions:
Multiple endocrine neoplasia, type 2 (MEN2). Identifiers: Orphanet 653, MedGen C4048306, MONDO:0019003. Disease mechanism: gain of function.
Hereditary cancer-predisposing syndrome. Also called: Tumor predisposition; Hereditary neoplastic syndrome; Hereditary Cancer Syndrome; Neoplastic Syndromes, Hereditary. Identifiers: Orphanet 140162, MedGen C0027672, MeSH D009386, MONDO:0015356.

Allele frequency attached by ClinVar (database versions not stated): gnomAD exomes below 0.00001; ExAC 0.00001.
gnomAD v4.1: 9 of 1,614,026 alleles (0.00056%); highest among the groups gnomAD compares: Middle Eastern, 0.12%; no homozygotes.

Submissions (3):

Labcorp Genetics (formerly Invitae), Labcorp
Classification: Uncertain significance for Multiple endocrine neoplasia, type 2. Last evaluated: 2026-01-13. Review status: criteria provided, single submitter. Criteria: Invitae Variant Classification Sherloc (09022015). Collection method: clinical testing. Allele origin: germline.
Comment: This sequence change replaces proline, which is neutral and non-polar, with leucine, which is neutral and non-polar, at codon 476 of the RET protein (p.Pro476Leu). This variant is present in population databases (rs762335805, gnomAD 0.0009%). This variant has not been reported in the literature in individuals affected with RET-related conditions. ClinVar contains an entry for this variant (Variation ID: 936267). An algorithm developed to predict the effect of missense changes on protein structure and function outputs the following: PolyPhen-2: "Benign". The leucine amino acid residue is found in multiple mammalian species, which suggests that this missense change does not adversely affect protein function. In summary, the available evidence is currently insufficient to determine the role of this variant in disease. Therefore, it has been classified as a Variant of Uncertain Significance.

Ambry Genetics
Classification: Uncertain significance for Hereditary cancer-predisposing syndrome. Last evaluated: 2024-08-02. Review status: criteria provided, single submitter. Criteria: Ambry Variant Classification Scheme 2023. Collection method: clinical testing. Allele origin: germline.
Comment: The p.P476L variant (also known as c.1427C>T), located in coding exon 7 of the RET gene, results from a C to T substitution at nucleotide position 1427. The proline at codon 476 is replaced by leucine, an amino acid with similar properties. This amino acid position is conserved. In addition, this alteration is predicted to be tolerated by in silico analysis. Based on the available evidence, the clinical significance of this variant remains unclear.

All of Us Research Program, National Institutes of Health
Classification: Uncertain significance for Multiple endocrine neoplasia, type 2. Last evaluated: 2023-08-15. Review status: criteria provided, single submitter. Criteria: ACMG Guidelines, 2015. Collection method: clinical testing. Allele origin: germline. Inheritance: Autosomal dominant inheritance. Observed: 1 variant allele, 1 heterozygote.
Comment: This missense variant replaces proline with leucine at codon 476 of the RET protein. Computational prediction suggests that this variant may not impact protein structure and function (internally defined REVEL score threshold <= 0.5, PMID: 27666373). To our knowledge, functional studies have not been reported for this variant. This variant has not been reported in individuals affected with RET-related disorders in the literature. This variant has been identified in 1/251352 chromosomes in the general population by the Genome Aggregation Database (gnomAD). The available evidence is insufficient to determine the role of this variant in disease conclusively. Therefore, this variant is classified as a Variant of Uncertain Significance.

This study involves interpretation of variants in research participants for the purpose of population health screening. Participant phenotype was not available at the time of variant classification. Additional details can be found in publication PMID: 35346344, PMCID: PMC8962531

NM_020975.6(RET):c.1427C>T (p.Pro476Leu)

Gene: RET (ret proto-oncogene; plus strand). Cytogenetic location: 10q11.21.
Variant type: single nucleotide variant.
Coding change: c.1427C>T on transcript NM_020975.6 (MANE Select); coding-DNA position 1427, C replaced by T.
Protein change: p.Pro476Leu; replaces proline 476 with leucine.
Molecular consequence: missense variant.
Genome position (GRCh38, 1-based): chr10:43,111,370, C>T. VCF-style: chr10-43111370-C-T. GRCh37 (hg19) VCF-style: chr10-43606818-C-T.
Other names: c.1427C>T, p.Pro476Leu (NM_000323.2, NM_001406743.1, NM_001406744.1 and 6 more transcripts); c.665C>T, p.Pro222Leu (NM_001355216.2); c.1298C>T, p.Pro433Leu (NM_001406761.1, NM_001406762.1, NM_001406764.1 and 1 more transcripts); c.1139C>T, p.Pro380Leu (NM_001406766.1, NM_001406767.1, NM_001406770.1); c.1031C>T, p.Pro344Leu (NM_001406769.1, NM_001406772.1); c.989C>T, p.Pro330Leu (NM_001406771.1, NM_001406773.1); c.902C>T, p.Pro301Leu (NM_001406774.1); c.701C>T, p.Pro234Leu (NM_001406775.1, NM_001406776.1, NM_001406777.1 and 1 more transcripts); and 1 more; short protein forms P222L, P476L, P234L, P380L, P433L, P146L, P330L, P344L.
Identifiers: ClinVar variation 936267 (VCV000936267.12), dbSNP rs762335805, ClinGen allele CA033580.
Genomic context (GRCh38, chr10:43,111,370, plus strand): 5'-CCTCAGCCGAGGACACCTCGGGGATCCTGTTTGTGAATGACACCAAGGCCCTGCGGCGGC[C>T]CAAGTGTGCCGAACTTCACTACATGGTGGTGGCCACCGACCAGCAGACCTCTAGGCAGGC-3'
Protein context (NP_066124.1, residues 466-486): FVNDTKALRR[Pro476Leu]KCAELHYMVV